The following is an entry in ClinVar:

NM_017565.4(FAM20A):c.1173G>A (p.Gln391=)

Genes: FAM20A (FAM20A golgi associated secretory pathway pseudokinase; minus strand), PRKAR1A (protein kinase cAMP-dependent type I regulatory subunit alpha; plus strand). Cytogenetic location: 17q24.2.
Variant type: single nucleotide variant.
Coding change: c.1173G>A on transcript NM_017565.4 (MANE Select); coding-DNA position 1173, G replaced by A.
Protein change: p.Gln391=; no amino-acid change (glutamine 391 retained).
Molecular consequence: synonymous variant. On other transcripts: non-coding transcript variant (1), intron variant (1).
Genome position (GRCh38, 1-based): chr17:68,540,895, C>T on the plus strand (G>A on the coding strand, the complement: FAM20A is on the minus strand). VCF-style: chr17-68540895-C-T. GRCh37 (hg19) VCF-style: chr17-66537036-C-T.
Other names: c.759G>A, p.Gln253= (NM_001243746.2); c.974-10189C>T (NM_001276290.1).
Identifiers: ClinVar variation 2648153 (VCV002648153.22), dbSNP rs2509484563, ClinGen allele CA501528992.
Genomic context (GRCh38, chr17:68,540,895, plus strand): 5'-GTGTGGGGACCTACCTATCAAGAAGTCGAAGATGGCCATGTCGATGACATTGAGGAGCCG[C>T]TGGCTGTTGTTGTACGGGTAGATCTGTTTCACTGTGTCACAGTAAAGGGGATTGACCTCC-3'
Protein context (NP_060035.2, residues 381-401): VKQIYPYNNS[Gln391=]RLLNVIDMAI

ClinVar aggregate classification (germline): Likely benign (1 of 4 stars; one submission).

Submission:

CeGaT Center for Human Genetics Tuebingen
Classification: Likely benign. Last evaluated: 2022-07-01. Review status: criteria provided, single submitter. Criteria: CeGaT Center For Human Genetics Tuebingen Variant Classification Criteria Version 2. Collection method: clinical testing. Allele origin: germline. Affected: yes. Observed: 1 variant allele.
Comment: FAM20A: PM2:Supporting, BP4, BP7